The following is an entry in ClinVar:

NM_001042492.3(NF1):c.5645_5646dup (p.Thr1883fs)

Gene: NF1 (neurofibromin 1; plus strand). Cytogenetic location: 17q11.2.
Variant type: Duplication.
Coding change: c.5645_5646dup on transcript NM_001042492.3 (MANE Select); coding-DNA positions 5645 to 5646, 2 bases duplicated (GT; older notation c.5645_5646dupGT).
Protein change: p.Thr1883fs; shifts the reading frame from threonine 1883.
Molecular consequence: frameshift variant.
Genome position (GRCh38, 1-based): chr17:31,330,331-31,330,332, GT duplicated; duplicating any 2 consecutive bases within chr17:31,330,330-31,330,332 gives the same sequence; the c. name uses the placement nearest the transcript's 3' end. VCF-style (leftmost placement, unchanged base first): chr17-31330329-T-TTG. GRCh37 (hg19) VCF-style: chr17-29657347-T-TTG.
Other names: c.5582_5583dup, p.Thr1862Valfs (NM_000267.4); short protein forms T1862fs, T1883fs.
Identifiers: ClinVar variation 3728353 (VCV003728353.2).

ClinVar aggregate classification (germline): Pathogenic (1 of 4 stars; one submission).

Conditions:
Neurofibromatosis, type 1 (NF1). Also called: NEUROFIBROMATOSIS, TYPE I, SOMATIC; Peripheral type neurofibromatosis; Neurofibromatosis, type I; VON RECKLINGHAUSEN DISEASE. Identifiers: Orphanet 636, MedGen C0027831, MONDO:0018975, OMIM 162200. Disease mechanism: loss of function.

Submission:

Labcorp Genetics (formerly Invitae), Labcorp
Classification: Pathogenic for Neurofibromatosis, type 1. Last evaluated: 2024-12-31. Review status: criteria provided, single submitter. Criteria: Invitae Variant Classification Sherloc (09022015). Collection method: clinical testing. Allele origin: germline.
Comment: This sequence change creates a premature translational stop signal (p.Thr1862Valfs*5) in the NF1 gene. It is expected to result in an absent or disrupted protein product. Loss-of-function variants in NF1 are known to be pathogenic (PMID: 10712197, 23913538). This variant is not present in population databases (gnomAD no frequency). This variant has not been reported in the literature in individuals affected with NF1-related conditions. For these reasons, this variant has been classified as Pathogenic.

Literature cited by the submitters: PubMed 10712197; PubMed 23913538.